The following is an entry in ClinVar:

NM_000892.5(KLKB1):c.552C>T (p.Asn184=)

Gene: KLKB1 (kallikrein B1; plus strand). Cytogenetic location: 4q35.2.
Variant type: single nucleotide variant.
Coding change: c.552C>T on transcript NM_000892.5 (MANE Select); coding-DNA position 552, C replaced by T.
Protein change: p.Asn184=; no amino-acid change (asparagine 184 retained).
Molecular consequence: synonymous variant. On other transcripts: 5 prime UTR variant (1).
Genome position (GRCh38, 1-based): chr4:186,238,319, C>T. VCF-style: chr4-186238319-C-T. GRCh37 (hg19) VCF-style: chr4-187159473-C-T.
Other names: c.438C>T, p.Asn146= (NM_001318394.2); c.-86C>T (NM_001318396.2).
Identifiers: ClinVar variation 3037230 (VCV003037230.2), dbSNP rs142304505, ClinGen allele CA3163091.

ClinVar aggregate classification (germline): Benign (0 of 4 stars; one submission).

Conditions:
KLKB1-related disorder. Also called: KLKB1-related condition.

Allele frequency attached by ClinVar (database versions not stated): gnomAD exomes 0.00033; ExAC 0.00117; gnomAD 0.00383; TOPMed 0.00426; 1000 Genomes Project 0.00459; 1000 Genomes Project 30x 0.00484; ESP Exome Variant Server 0.00523.
gnomAD v4.1: 1,078 of 1,613,920 alleles (0.067%); highest among the groups gnomAD compares: African/African-American, 1.3%; 9 homozygotes.

Submission:

PreventionGenetics, part of Exact Sciences
Classification: Benign for KLKB1-related condition. Last evaluated: 2019-05-02. Review status: no assertion criteria provided. Collection method: clinical testing. Allele origin: germline.
Comment: This variant is classified as benign based on ACMG/AMP sequence variant interpretation guidelines (Richards et al. 2015 PMID: 25741868, with internal and published modifications).